The following is an entry in ClinVar:

ClinVar aggregate classification (germline): Uncertain significance (1 of 4 stars; one submission).

Conditions:
Glycine encephalopathy. Also called: Nonketotic hyperglycinemia; Non-ketotic hyperglycinemia. Identifiers: Orphanet 407, MedGen C0751748, MONDO:0011612, HP:0008288.

gnomAD v4.1: 2 of 1,614,054 alleles (0.00012%); highest among the groups gnomAD compares: Non-Finnish European, 0.00017%; no homozygotes.

Submission:

Labcorp Genetics (formerly Invitae), Labcorp
Classification: Uncertain significance for Glycine encephalopathy. Last evaluated: 2024-06-24. Review status: criteria provided, single submitter. Criteria: Invitae Variant Classification Sherloc (09022015). Collection method: clinical testing. Allele origin: germline.
Comment: This sequence change affects codon 819 of the GLDC mRNA. It is a 'silent' change, meaning that it does not change the encoded amino acid sequence of the GLDC protein. This variant also falls at the last nucleotide of exon 20, which is part of the consensus splice site for this exon. This variant is not present in population databases (gnomAD no frequency). This variant has been observed in individual(s) with non-ketotic hyperglycinemia (Invitae). Variants that disrupt the consensus splice site are a relatively common cause of aberrant splicing (PMID: 17576681, 9536098). Algorithms developed to predict the effect of sequence changes on RNA splicing suggest that this variant may disrupt the consensus splice site. In summary, the available evidence is currently insufficient to determine the role of this variant in disease. Therefore, it has been classified as a Variant of Uncertain Significance.

Literature cited by the submitters: PubMed 17576681; PubMed 9536098.

NM_000170.3(GLDC):c.2457G>A (p.Lys819=)

Gene: GLDC (glycine decarboxylase; minus strand). Cytogenetic location: 9p24.1.
Variant type: single nucleotide variant.
Coding change: c.2457G>A on transcript NM_000170.3 (MANE Select); coding-DNA position 2457, G replaced by A.
Protein change: p.Lys819=; no amino-acid change (lysine 819 retained).
Molecular consequence: synonymous variant.
Genome position (GRCh38, 1-based): chr9:6,553,368, C>T on the plus strand (G>A on the coding strand, the complement: GLDC is on the minus strand). VCF-style: chr9-6553368-C-T. GRCh37 (hg19) VCF-style: chr9-6553368-C-T.
Identifiers: ClinVar variation 3697762 (VCV003697762.1).
Genomic context (GRCh38, chr9:6,553,368, plus strand): 5'-CCCCATGCATGCCTGACGCCCCCACCCACCTGCACACCTGCACATACTCCCAGGCCTCAC[C>T]TTGATATAAGCCCAGGAAATGGGCAAGATGGAACTGGAGCCCCATGGGGCCGCACTGACG-3'
Protein context (NP_000161.2, residues 809-829): SILPISWAYI[Lys819=]MMGGKGLKQA